The following is an entry in ClinVar:

NM_001034853.2(RPGR):c.2633G>T (p.Gly878Val)

Gene: RPGR (retinitis pigmentosa GTPase regulator; minus strand). Cytogenetic location: Xp11.4.
Variant type: single nucleotide variant.
Coding change: c.2633G>T on transcript NM_001034853.2 (MANE Select); coding-DNA position 2633, G replaced by T.
Protein change: p.Gly878Val; replaces glycine 878 with valine.
Molecular consequence: missense variant. On other transcripts: intron variant (8).
Genome position (GRCh38, 1-based): chrX:38,286,366, C>A on the plus strand (G>T on the coding strand, the complement: RPGR is on the minus strand). VCF-style: chrX-38286366-C-A. GRCh37 (hg19) VCF-style: chrX-38145619-C-A.
Other names: c.1569+4593G>T (NM_001367249.1, NM_001367250.1); c.1902+728G>T (NM_001367245.1); c.1386+4593G>T (NM_001367251.1); c.1719+728G>T (NM_001367246.1); c.1572+4593G>T (NM_001367247.1); c.1905+728G>T (NM_000328.3); c.1602+4593G>T (NM_001367248.1); short protein forms G878V.
Identifiers: ClinVar variation 1344945 (VCV001344945.2), dbSNP rs1218098015, ClinGen allele CA412730168.

ClinVar aggregate classification (germline): Uncertain significance (1 of 4 stars; one submission).

Submission:

GeneDx
Classification: Uncertain significance. Last evaluated: 2022-03-16. Review status: criteria provided, single submitter. Criteria: GeneDx Variant Classification Process June 2021. Collection method: clinical testing. Allele origin: germline. Affected: yes.
Comment: Not observed at significant frequency in large population cohorts (gnomAD); In silico analysis supports that this missense variant does not alter protein structure/function; Has not been previously published as pathogenic or benign to our knowledge; This variant is associated with the following publications: (PMID: 27535533)